The following is an entry in ClinVar:

ClinVar aggregate classification (germline): Likely benign. Review status: criteria provided, multiple submitters, no conflicts (2 of 4 stars). 3 submissions from 3 submitters: Likely benign (3). Last evaluated 2024-10-06.

Conditions:
Ehlers-Danlos syndrome, classic type, 1 (EDSCL1). Also called: Ehlers-Danlos Syndrome, Classic Type, COL5A1-Related; EDS I; EHLERS-DANLOS SYNDROME, GRAVIS TYPE; EHLERS-DANLOS SYNDROME, SEVERE CLASSIC TYPE; Ehlers-Danlos syndrome, type 1. Identifiers: MedGen C0268335, MONDO:0019567, OMIM 130000.
Osteogenesis imperfecta type I (OI1). Also called: Lobstein disease; Classic Non-deforming Osteogenesis Imperfecta with Blue Sclerae; Lobstein's Disease; Osteogenesis imperfecta type 1; OI, TYPE I; OSTEOGENESIS IMPERFECTA TARDA. Identifiers: Orphanet 216796, Orphanet 666, MedGen C0023931, MONDO:0008146, OMIM 166200. Disease mechanism: loss of function.
Cardiovascular phenotype. Identifiers: MedGen CN230736.

Allele frequency attached by ClinVar (database versions not stated): gnomAD exomes below 0.00001; gnomAD 0.00001; TOPMed 0.00002.
gnomAD v4.1: 2 of 1,613,906 alleles (0.00012%); highest among the groups gnomAD compares: Admixed American, 0.0017%; no homozygotes.

Submissions (3):

Labcorp Genetics (formerly Invitae), Labcorp
Classification: Likely benign for Osteogenesis imperfecta type I; Ehlers-Danlos syndrome, classic type, 1. Last evaluated: 2024-10-06. Review status: criteria provided, single submitter. Criteria: Invitae Variant Classification Sherloc (09022015). Collection method: clinical testing. Allele origin: germline.

CeGaT Center for Human Genetics Tuebingen
Classification: Likely benign. Last evaluated: 2022-11-01. Review status: criteria provided, single submitter. Criteria: CeGaT Center For Human Genetics Tuebingen Variant Classification Criteria Version 2. Collection method: clinical testing. Allele origin: germline. Affected: yes. Observed: 1 variant allele.
Comment: COL1A2: BP4, BP7

Ambry Genetics
Classification: Likely benign for Cardiovascular phenotype. Last evaluated: 2019-08-13. Review status: criteria provided, single submitter. Criteria: Ambry Variant Classification Scheme 2023. Collection method: clinical testing. Allele origin: germline.

NM_000089.4(COL1A2):c.60A>C (p.Ala20=)

Gene: COL1A2 (collagen type I alpha 2 chain; plus strand). Cytogenetic location: 7q21.3.
Variant type: single nucleotide variant.
Coding change: c.60A>C on transcript NM_000089.4 (MANE Select); coding-DNA position 60, A replaced by C.
Protein change: p.Ala20=; no amino-acid change (alanine 20 retained).
Molecular consequence: synonymous variant.
Genome position (GRCh38, 1-based): chr7:94,395,091, A>C. VCF-style: chr7-94395091-A-C. GRCh37 (hg19) VCF-style: chr7-94024403-A-C.
Identifiers: ClinVar variation 762753 (VCV000762753.35), dbSNP rs779022418, ClinGen allele CA162901978.